The following is an entry in ClinVar:

NM_001042492.3(NF1):c.4504G>A (p.Gly1502Ser)

Gene: NF1 (neurofibromin 1; plus strand). Cytogenetic location: 17q11.2.
Variant type: single nucleotide variant.
Coding change: c.4504G>A on transcript NM_001042492.3 (MANE Select); coding-DNA position 4504, G replaced by A.
Protein change: p.Gly1502Ser; replaces glycine 1502 with serine.
Molecular consequence: missense variant.
Genome position (GRCh38, 1-based): chr17:31,260,442, G>A. VCF-style: chr17-31260442-G-A. GRCh37 (hg19) VCF-style: chr17-29587460-G-A.
Other names: c.4441G>A, p.Gly1481Ser (NM_000267.4); short protein forms G1481S, G1502S.
Identifiers: ClinVar variation 232189 (VCV000232189.14), dbSNP rs876659607, ClinGen allele CA10580320.

ClinVar aggregate classification (germline): Conflicting classifications of pathogenicity. Review status: criteria provided, conflicting classifications (1 of 4 stars). 5 submissions from 4 submitters: Uncertain significance (4); Likely benign (1). Last evaluated 2025-07-07.

Conditions:
Neurofibromatosis, type 1 (NF1). Also called: Neurofibromatosis, type I; VON RECKLINGHAUSEN DISEASE; NEUROFIBROMATOSIS, TYPE I, SOMATIC; Peripheral type neurofibromatosis. Identifiers: Orphanet 636, MedGen C0027831, MONDO:0018975, OMIM 162200. Disease mechanism: loss of function.
Hereditary cancer-predisposing syndrome. Also called: Hereditary Cancer Syndrome; Neoplastic Syndromes, Hereditary; Tumor predisposition; Hereditary neoplastic syndrome. Identifiers: Orphanet 140162, MedGen C0027672, MeSH D009386, MONDO:0015356.
Cardiovascular phenotype. Identifiers: MedGen CN230736.
Café-au-lait macules with pulmonary stenosis (WTSN). Also called: PULMONIC STENOSIS WITH CAFE-AU-LAIT SPOTS. Identifiers: MedGen C0553586, MONDO:0008672, OMIM 193520.
Juvenile myelomonocytic leukemia (JMML). Also called: LEUKEMIA, JUVENILE MYELOMONOCYTIC, SOMATIC. Identifiers: Orphanet 86834, MedGen C0349639, MONDO:0011908, OMIM 607785, HP:0012209.
Neurofibromatosis-Noonan syndrome (NFNS). Also called: NEUROFIBROMATOSIS WITH NOONAN PHENOTYPE. Identifiers: Orphanet 638, MedGen C2931482, MONDO:0011035, OMIM 601321. Disease mechanism: loss of function.
Neurofibromatosis, familial spinal (FSNF). Identifiers: Orphanet 636, MedGen C1834235, MONDO:0008078, OMIM 162210. Disease mechanism: loss of function.

Allele frequency attached by ClinVar (database versions not stated): gnomAD exomes below 0.00001; TOPMed below 0.00001; gnomAD 0.00001.
gnomAD v4.1: 6 of 1,613,818 alleles (0.00037%); highest among the groups gnomAD compares: African/African-American, 0.0013%; no homozygotes.

Submissions (5):

Labcorp Genetics (formerly Invitae), Labcorp
Classification: Likely benign for Neurofibromatosis, type 1. Last evaluated: 2025-07-07. Review status: criteria provided, single submitter. Criteria: Invitae Variant Classification Sherloc (09022015). Collection method: clinical testing. Allele origin: germline.

Fulgent Genetics
Classification: Uncertain significance for Neurofibromatosis, type 1; Neurofibromatosis, familial spinal; Café-au-lait macules with pulmonary stenosis; Neurofibromatosis-Noonan syndrome; Juvenile myelomonocytic leukemia. Last evaluated: 2022-05-11. Review status: criteria provided, single submitter. Criteria: ACMG Guidelines, 2015. Collection method: clinical testing. Allele origin: unknown.

Genome-Nilou Lab
Classification: Uncertain significance for Neurofibromatosis, type 1. Last evaluated: 2022-03-15. Review status: criteria provided, single submitter. Criteria: ACMG Guidelines, 2015. Collection method: clinical testing. Allele origin: germline. Affected: no.

Ambry Genetics
Classification: Uncertain significance for Cardiovascular phenotype; Hereditary cancer-predisposing syndrome. Last evaluated: 2020-06-29. Review status: criteria provided, single submitter. Criteria: Ambry Variant Classification Scheme 2023. Collection method: clinical testing. Allele origin: germline.

Ambry Genetics
Classification: Uncertain significance for Hereditary cancer-predisposing syndrome. Last evaluated: 2015-06-09. Review status: criteria provided, single submitter. Criteria: Ambry Autosomal Dominant and X-Linked criteria (10/2015). Collection method: clinical testing. Allele origin: germline. Observed: 1 variant allele.
Comment: Thep.G1502Svariant (also known as c.4504G>A), located in codingexon34 of theNF1gene, results from a G to A substitution at nucleotide position 4504. Theglycineatcodon1502 is replaced byserine, an amino acid with similar properties. This variant was not reported in population based cohorts in the following databases: Database of Single NucleotidePolymorphisms(dbSNP),NHLBIExomeSequencing Project (ESP), and 1000 Genomes Project. In the ESP, this variant was not observed in 6503 samples (13006 alleles) with coverage at this position. To date, this alteration has been detected with an allele frequency of approximately 0.002% (greater than 55000 alleles tested) in our clinical cohort. This amino acid position is highly conserved in available vertebrate species. In addition, the in silico prediction for this alteration is inconclusive. Since supporting evidence is limited at this time, the clinical significance of p.G1502Sremains unclear.